The following is an entry in ClinVar:

NM_015107.3(PHF8):c.2069G>C (p.Gly690Ala)

Gene: PHF8 (PHD finger protein 8; minus strand). Cytogenetic location: Xp11.22.
Variant type: single nucleotide variant.
Coding change: c.2069G>C on transcript NM_015107.3 (MANE Select); coding-DNA position 2069, G replaced by C.
Protein change: p.Gly690Ala; replaces glycine 690 with alanine.
Molecular consequence: missense variant. On other transcripts: intron variant (1).
Genome position (GRCh38, 1-based): chrX:53,985,876, C>G on the plus strand (G>C on the coding strand, the complement: PHF8 is on the minus strand). VCF-style: chrX-53985876-C-G. GRCh37 (hg19) VCF-style: chrX-54012309-C-G.
Other names: c.2177G>C, p.Gly726Ala (NM_001184896.1, NM_001441097.1); c.1766G>C, p.Gly589Ala (NM_001184897.2); c.1874G>C, p.Gly625Ala (NM_001441096.1, NM_001441098.1); c.2038+31G>C (NM_001184898.2); short protein forms G589A, G625A, G690A, G726A.
Identifiers: ClinVar variation 4976114 (VCV004976114.1).

ClinVar aggregate classification (germline): Uncertain significance (1 of 4 stars; one submission).

Submission:

GeneDx
Classification: Uncertain significance. Last evaluated: 2026-02-18. Review status: criteria provided, single submitter. Criteria: GeneDx Variant Classification Process June 2021. Collection method: clinical testing. Allele origin: germline.
Comment: Not observed at significant frequency in large population cohorts (gnomAD); In silico analysis supports that this missense variant has a deleterious effect on protein structure/function; Has not been previously published as pathogenic or benign to our knowledge